The following is an entry in ClinVar:

NM_007103.4(NDUFV1):c.343G>A (p.Val115Met)

Gene: NDUFV1 (NADH:ubiquinone oxidoreductase core subunit V1; plus strand). Cytogenetic location: 11q13.2.
Variant type: single nucleotide variant.
Coding change: c.343G>A on transcript NM_007103.4 (MANE Select); coding-DNA position 343, G replaced by A.
Protein change: p.Val115Met; replaces valine 115 with methionine.
Molecular consequence: missense variant.
Genome position (GRCh38, 1-based): chr11:67,609,468, G>A. VCF-style: chr11-67609468-G-A. GRCh37 (hg19) VCF-style: chr11-67376939-G-A.
Other names: c.316G>A, p.Val106Met (NM_001166102.2); short protein forms V106M, V115M.
Identifiers: ClinVar variation 1031699 (VCV001031699.8), dbSNP rs751551838, ClinGen allele CA6143152.

ClinVar aggregate classification (germline): Uncertain significance. Review status: criteria provided, multiple submitters, no conflicts (2 of 4 stars). 4 submissions from 4 submitters: Uncertain significance (4). Last evaluated 2025-06-03.

Conditions:
Mitochondrial complex I deficiency, nuclear type 1. Also called: NADH-COENZYME Q REDUCTASE DEFICIENCY; MITOCHONDRIAL NADH DEHYDROGENASE COMPONENT OF COMPLEX I, DEFICIENCY OF. Identifiers: MedGen C6022305, MONDO:0100224, OMIM 252010.
Inborn genetic diseases. Identifiers: MedGen C0950123, MeSH D030342.

Allele frequency attached by ClinVar (database versions not stated): ExAC 0.00001; gnomAD 0.00001; TOPMed 0.00002.
gnomAD v4.1: 22 of 1,613,546 alleles (0.0014%); highest among the groups gnomAD compares: Non-Finnish European, 0.0018%; no homozygotes.

Submissions (4):

Ambry Genetics
Classification: Uncertain significance for Inborn genetic diseases. Last evaluated: 2025-06-03. Review status: criteria provided, single submitter. Criteria: Ambry Variant Classification Scheme 2023. Collection method: clinical testing. Allele origin: germline.

GeneDx
Classification: Uncertain significance. Last evaluated: 2024-12-17. Review status: criteria provided, single submitter. Criteria: GeneDx Variant Classification Process June 2021. Collection method: clinical testing. Allele origin: germline. Affected: yes.
Comment: Not observed at significant frequency in large population cohorts (gnomAD); In silico analysis supports that this missense variant has a deleterious effect on protein structure/function; Has not been previously published as pathogenic or benign to our knowledge

Labcorp Genetics (formerly Invitae), Labcorp
Classification: Uncertain significance. Last evaluated: 2021-09-24. Review status: criteria provided, single submitter. Criteria: Invitae Variant Classification Sherloc (09022015). Collection method: clinical testing. Allele origin: germline.
Comment: This sequence change replaces valine with methionine at codon 115 of the NDUFV1 protein (p.Val115Met). The valine residue is highly conserved and there is a small physicochemical difference between valine and methionine. This variant is present in population databases (rs751551838, ExAC 0.002%). This variant has not been reported in the literature in individuals with NDUFV1-related conditions. ClinVar contains an entry for this variant (Variation ID: 1031699). Advanced modeling of protein sequence and biophysical properties (such as structural, functional, and spatial information, amino acid conservation, physicochemical variation, residue mobility, and thermodynamic stability) performed at Invitae indicates that this missense variant is expected to disrupt NDUFV1 protein function. In summary, the available evidence is currently insufficient to determine the role of this variant in disease. Therefore, it has been classified as a Variant of Uncertain Significance.

Baylor Genetics
Classification: Uncertain significance for Mitochondrial complex I deficiency, nuclear type 1. Last evaluated: 2018-11-30. Review status: criteria provided, single submitter. Criteria: ACMG Guidelines, 2015. Collection method: clinical testing. Allele origin: unknown. Affected: yes.
Comment: This variant was determined to be of uncertain significance according to ACMG Guidelines, 2015 [PMID:25741868].